The following is an entry in ClinVar:

NM_000038.6(APC):c.8514C>A (p.Tyr2838Ter)

Gene: APC (APC regulator of Wnt signaling pathway; plus strand). Cytogenetic location: 5q22.2.
Variant type: single nucleotide variant.
Coding change: c.8514C>A on transcript NM_000038.6 (MANE Select); coding-DNA position 8514, C replaced by A.
Protein change: p.Tyr2838Ter; replaces tyrosine 2838 with a stop codon.
Molecular consequence: nonsense.
Genome position (GRCh38, 1-based): chr5:112,844,108, C>A. VCF-style: chr5-112844108-C-A. GRCh37 (hg19) VCF-style: chr5-112179805-C-A.
Other names: NM_000038.6(APC):c.8514C>A; p.Tyr2838Ter; c.8514C>A, p.Tyr2838Ter (NM_001127510.3, NM_001354895.2); c.8460C>A, p.Tyr2820Ter (NM_001127511.3); c.8568C>A, p.Tyr2856Ter (NM_001354896.2); c.8544C>A, p.Tyr2848Ter (NM_001354897.2); c.8439C>A, p.Tyr2813Ter (NM_001354898.2); c.8430C>A, p.Tyr2810Ter (NM_001354899.2); and 7 more; short protein forms Y2820*, Y2838*, Y2555*, Y2678*, Y2856*, Y2712*, Y2737*, Y2779*.
Identifiers: ClinVar variation 486740 (VCV000486740.11), dbSNP rs876660375, ClinGen allele CA16039798.

ClinVar aggregate classification (germline): Uncertain significance. Review status: reviewed by expert panel (3 of 4 stars). 3 submissions from 3 submitters: Uncertain significance (1). 2 of the submissions do not count toward it. Last evaluated 2023-02-26.

Conditions:
Hereditary cancer-predisposing syndrome. Also called: Tumor predisposition; Hereditary Cancer Syndrome; Hereditary neoplastic syndrome; Neoplastic Syndromes, Hereditary. Identifiers: Orphanet 140162, MedGen C0027672, MeSH D009386, MONDO:0015356.
Familial adenomatous polyposis 1 (FAP1). Also called: FAMILIAL ADENOMATOUS POLYPOSIS 1, ATTENUATED; POLYPOSIS, ADENOMATOUS INTESTINAL. Identifiers: MedGen C2713442, MONDO:0021056, OMIM 175100. Disease mechanism: loss of function.

Submissions (3):

ClinGen InSiGHT Hereditary Colorectal Cancer/Polyposis Variant Curation Expert Panel
Classification: Uncertain significance for Familial adenomatous polyposis 1. Last evaluated: 2023-02-26. Review status: reviewed by expert panel. Criteria: ClinGen InSiGHT HCCP VCEP ACMG Specifications APC V1. Collection method: curation. Allele origin: germline. Inheritance: Autosomal dominant inheritance.
Comment: The c.8514C>A variant in APC is a variant predicted to cause a premature stop codon at position 2838 (p.Tyr2838*) in exon 16, downstream of codon 2645. As a result, the PVS1 rule is not applicable. This variant has been reported in 2 probands meeting phenotype criteria, resulting in a total phenotype score of 2 (PS4_moderate, Ambry and Invitae internal data). This variant is absent from gnomAD v2.1.1 (PM2_Supporting). In summary, this is a Variant of Unknown Significance (VUS) for FAP based on the ACMG/AMP criteria applied, as specified by the ClinGen InSiGHT Hereditary Colorectal Cancer/Polyposis Variant Curation Expert Panel: PS4_moderate and PM2_supporting. (VCEP specifications version 1; date of approval: 12/12/2022).

Ambry Genetics
Classification: Pathogenic for Hereditary cancer-predisposing syndrome. Last evaluated: 2021-11-30. Review status: criteria provided, single submitter. Criteria: Ambry Variant Classification Scheme 2023. Collection method: clinical testing. Allele origin: germline. Not counted in ClinVar's aggregate classification.
Comment: The p.Y2838* variant (also known as c.8514C>A), located in coding exon 15 of the APC gene, results from a C to A substitution at nucleotide position 8514. This changes the amino acid from a tyrosine to a stop codon within coding exon 15. This substitution and subsequent stop codon occur at the 3' terminus of APC and impact only the last 6 amino acids of the protein. The exact functional impact of these altered amino acids is unknown at this time; however, structural analysis suggests this deletion removes a known motif (Thr2841-Ser2842-Val2843) needed for protein binding involved in regulation of protein function (Slep KC et al, PLoS ONE 2012; 7(11):e50097 ; Zhang Z et al, PLoS ONE 2011 ; 6(8):e23507). Based on the supporting evidence, this alteration is interpreted as a disease-causing mutation.

Labcorp Genetics (formerly Invitae), Labcorp
Classification: Uncertain significance for Familial adenomatous polyposis 1. Last evaluated: 2020-12-01. Review status: criteria provided, single submitter. Criteria: Invitae Variant Classification Sherloc (09022015). Collection method: clinical testing. Allele origin: germline. Not counted in ClinVar's aggregate classification.
Comment: In summary, the available evidence is currently insufficient to determine the role of this variant in disease. Therefore, it has been classified as a Variant of Uncertain Significance. Experimental studies and prediction algorithms are not available or were not evaluated, and the functional significance of this variant is currently unknown. This variant has not been reported in the literature in individuals with APC-related conditions. ClinVar contains an entry for this variant (Variation ID: 486740). This variant is not present in population databases (ExAC no frequency). This sequence change creates a premature translational stop signal (p.Tyr2838*) in the APC gene. While this is not anticipated to result in nonsense mediated decay, it is expected to disrupt the last 6 amino acid(s) of the APC protein.

Literature cited by the submitters: PubMed 21858148 (cited by Ambry Genetics); PubMed 23185543 (cited by Ambry Genetics).